The following is an entry in ClinVar:

ClinVar aggregate classification (germline): Uncertain significance (1 of 4 stars; one submission).

Conditions:
Inborn genetic diseases. Identifiers: MedGen C0950123, MeSH D030342.

Submission:

Ambry Genetics
Classification: Uncertain significance for Inborn genetic diseases. Last evaluated: 2025-09-17. Review status: criteria provided, single submitter. Criteria: Ambry Variant Classification Scheme 2023. Collection method: clinical testing. Allele origin: germline.
Comment: The p.S315T variant (also known as c.943T>A), located in coding exon 5 of the RECQL4 gene, results from a T to A substitution at nucleotide position 943. The serine at codon 315 is replaced by threonine, an amino acid with similar properties. This amino acid position is conserved. In addition, this alteration is predicted to be tolerated by in silico analysis. Based on the available evidence, the clinical significance of this variant remains unclear.

NM_004260.4(RECQL4):c.943T>A (p.Ser315Thr)

Gene: RECQL4 (RecQ like helicase 4; minus strand). Cytogenetic location: 8q24.3.
Variant type: single nucleotide variant.
Coding change: c.943T>A on transcript NM_004260.4 (MANE Select); coding-DNA position 943, T replaced by A.
Protein change: p.Ser315Thr; replaces serine 315 with threonine.
Molecular consequence: missense variant. On other transcripts: 5 prime UTR variant (17), non-coding transcript variant (3).
Genome position (GRCh38, 1-based): chr8:144,516,176, A>T on the plus strand (T>A on the coding strand, the complement: RECQL4 is on the minus strand). VCF-style: chr8-144516176-A-T. GRCh37 (hg19) VCF-style: chr8-145741560-A-T.
Other names: c.943T>A, p.Ser315Thr (NM_001413017.1, NM_001413018.1, NM_001413019.1 and 4 more transcripts); c.-129T>A (NM_001413021.1, NM_001413022.1, NM_001413023.1 and 7 more transcripts); c.814T>A, p.Ser272Thr (NM_001413025.1); c.-191T>A (NM_001413027.1, NM_001413030.1, NM_001413031.1 and 2 more transcripts); c.592T>A, p.Ser198Thr (NM_001413029.1); c.-33T>A (NM_001413034.1); c.-398T>A (NM_001413043.1); short protein forms S272T, S198T, S315T.
Identifiers: ClinVar variation 4628923 (VCV004628923.1).